The following is an entry in ClinVar:

ClinVar aggregate classification (germline): Uncertain significance (1 of 4 stars; one submission).

Submission:

Ambry Genetics
Classification: Uncertain significance. Last evaluated: 2023-06-05. Review status: criteria provided, single submitter. Criteria: Ambry Variant Classification Scheme 2023. Collection method: clinical testing. Allele origin: germline.
Comment: The p.E1016D variant (also known as c.3048A>C), located in coding exon 4 of the ALPK2 gene, results from an A to C substitution at nucleotide position 3048. The glutamic acid at codon 1016 is replaced by aspartic acid, an amino acid with highly similar properties. This amino acid position is conserved. In addition, this alteration is predicted to be tolerated by in silico analysis. Since supporting evidence is limited at this time, the clinical significance of this alteration remains unclear.

NM_052947.4(ALPK2):c.3048A>C (p.Glu1016Asp)

Gene: ALPK2 (alpha kinase 2; minus strand). Cytogenetic location: 18q21.31.
Variant type: single nucleotide variant.
Coding change: c.3048A>C on transcript NM_052947.4 (MANE Select); coding-DNA position 3048, A replaced by C.
Protein change: p.Glu1016Asp; replaces glutamic acid 1016 with aspartic acid.
Molecular consequence: missense variant.
Genome position (GRCh38, 1-based): chr18:58,537,139, T>G on the plus strand (A>C on the coding strand, the complement: ALPK2 is on the minus strand). VCF-style: chr18-58537139-T-G. GRCh37 (hg19) VCF-style: chr18-56204371-T-G.
Other names: short protein forms E1016D.
Identifiers: ClinVar variation 2561793 (VCV002561793.2), dbSNP rs750586012, ClinGen allele CA8976968.
Genomic context (GRCh38, chr18:58,537,139, plus strand): 5'-AGTGCCACCTGCATGCTTGTCCTCAGGAATTGACACAGCAAGGTATTTGGCTGGGTGGAC[T>G]TCGGTGGCAATGGTAACAGTTGATGTGTCCTCAGTCTCCCTGGTCGCTTGAAAGCACTCA-3'
Protein context (NP_443179.3, residues 1006-1026): EDTSTVTIAT[Glu1016Asp]VHPAKYLAVS